The following is an entry in ClinVar:

NM_018429.3(BDP1):c.5053G>C (p.Ala1685Pro)

Gene: BDP1 (BDP1 general transcription factor IIIB subunit; plus strand). Cytogenetic location: 5q13.2.
Variant type: single nucleotide variant.
Coding change: c.5053G>C on transcript NM_018429.3 (MANE Select); coding-DNA position 5053, G replaced by C.
Protein change: p.Ala1685Pro; replaces alanine 1685 with proline.
Molecular consequence: missense variant.
Genome position (GRCh38, 1-based): chr5:71,522,350, G>C. VCF-style: chr5-71522350-G-C. GRCh37 (hg19) VCF-style: chr5-70818177-G-C.
Other names: short protein forms A1685P.
Identifiers: ClinVar variation 1315765 (VCV001315765.6), dbSNP rs200843292, ClinGen allele CA3296841.
Genomic context (GRCh38, chr5:71,522,350, plus strand): 5'-CATGAAAATAAACCGTATGTTCCTAGTTCAGCACAAATGACAAGAAGGAAATTCCAAAAG[G>C]CTAAGCCAAATTTGGGAAGAGCACACAGTAAGAAAGAGGAACCAGTTTTAGAAAAAGTCA-3'
Protein context (NP_060899.2, residues 1675-1695): AQMTRRKFQK[Ala1685Pro]KPNLGRAHSK

ClinVar aggregate classification (germline): Likely benign. Review status: criteria provided, multiple submitters, no conflicts (2 of 4 stars). 4 submissions from 4 submitters: Likely benign (3). 1 of the submissions does not count toward it. Last evaluated 2024-11-26.

Conditions:
BDP1-related disorder. Also called: BDP1-related condition.

Allele frequency attached by ClinVar (database versions not stated): gnomAD 0.00019 and 0.00021; gnomAD exomes 0.00027; ExAC 0.00029; 1000 Genomes Project 0.00040; ESP Exome Variant Server 0.00042; 1000 Genomes Project 30x 0.00062.
gnomAD v4.1: 242 of 1,613,852 alleles (0.015%); highest among the groups gnomAD compares: Admixed American, 0.018%; no homozygotes.

Submissions (4):

Blueprint Genetics
Classification: Likely benign. Last evaluated: 2024-11-26. Review status: criteria provided, single submitter. Criteria: ACMG Guidelines, 2015. Collection method: clinical testing. Allele origin: germline.

GeneDx
Classification: Likely benign. Last evaluated: 2021-03-31. Review status: criteria provided, single submitter. Criteria: GeneDx Variant Classification Process June 2021. Collection method: clinical testing. Allele origin: germline. Affected: yes.
Comment: In silico analysis supports that this missense variant does not alter protein structure/function

Breakthrough Genomics
Classification: Likely benign. Review status: criteria provided, single submitter. Criteria: ACMG Guidelines, 2015. Collection method: not provided. Allele origin: germline. Inheritance: Autosomal recessive inheritance. Affected: yes.

PreventionGenetics, part of Exact Sciences
Classification: Likely benign for BDP1-related condition. Last evaluated: 2020-10-26. Review status: no assertion criteria provided. Collection method: clinical testing. Allele origin: germline. Not counted in ClinVar's aggregate classification.
Comment: This variant is classified as likely benign based on ACMG/AMP sequence variant interpretation guidelines (Richards et al. 2015 PMID: 25741868, with internal and published modifications).